The following is an entry in ClinVar:

ClinVar aggregate classification (germline): Likely pathogenic (1 of 4 stars; one submission).

Conditions:
Carnitine palmitoyltransferase II deficiency. Also called: Carnitine Palmitoyltransferase 2 Deficiency. Identifiers: Orphanet 157, MedGen C0342790, MONDO:0015515.

Submission:

Natera, Inc.
Classification: Likely pathogenic for Carnitine palmitoyltransferase II deficiency. Last evaluated: 2025-02-17. Review status: criteria provided, single submitter. Criteria: Natera Variant Classification Schema (03/2026). Collection method: clinical testing. Allele origin: germline.
Comment: The c.634del variant in CPT2 is a frameshift variant predicted to shift the reading frame beginning at codon 212 and leads to a stop codon 35 codons downstream. This variant is expected to result in nonsense mediated decay, truncation, or a dysfunctional protein product. This variant is rare in the general population with a frequency below the threshold expected for the associated phenotype(s). Given the available evidence, this variant is classified as Likely Pathogenic.

NM_000098.3(CPT2):c.634del (p.Leu212fs)

Gene: CPT2 (carnitine palmitoyltransferase 2; plus strand). Cytogenetic location: 1p32.3.
Variant type: Deletion.
Coding change: c.634del on transcript NM_000098.3 (MANE Select); coding-DNA position 634, one base deleted (C; older notation c.634delC).
Protein change: p.Leu212fs; shifts the reading frame from leucine 212.
Molecular consequence: frameshift variant.
Genome position (GRCh38, 1-based): chr1:53,210,308, C deleted; the last of 4 consecutive C bases (chr1:53,210,305-53,210,308); deleting any one gives the same sequence. VCF-style (leftmost placement, unchanged base first): chr1-53210304-TC-T. GRCh37 (hg19) VCF-style: chr1-53675976-TC-T.
Other names: c.634del, p.Leu212fs (NM_001330589.2); short protein forms L212fs.
Identifiers: ClinVar variation 4065448 (VCV004065448.2).